The following is an entry in ClinVar:

ClinVar aggregate classification (germline): Uncertain significance (1 of 4 stars; one submission).

Conditions:
Aicardi-Goutieres syndrome 5. Identifiers: Orphanet 51, MedGen C2749659, MONDO:0013059, OMIM 612952.

gnomAD v4.1: 1 of 1,612,598 alleles (0.000062%); highest among the groups gnomAD compares: Non-Finnish European, 0.000085%; no homozygotes.

Submission:

Labcorp Genetics (formerly Invitae), Labcorp
Classification: Uncertain significance for Aicardi Goutieres syndrome 5. Last evaluated: 2019-05-10. Review status: criteria provided, single submitter. Criteria: Invitae Variant Classification Sherloc (09022015). Collection method: clinical testing. Allele origin: germline.
Comment: This sequence change replaces alanine with proline at codon 495 of the SAMHD1 protein (p.Ala495Pro). The alanine residue is moderately conserved and there is a small physicochemical difference between alanine and proline. This variant is not present in population databases (ExAC no frequency). This variant has not been reported in the literature in individuals with SAMHD1-related conditions. Algorithms developed to predict the effect of missense changes on protein structure and function (SIFT, PolyPhen-2, Align-GVGD) all suggest that this variant is likely to be tolerated, but these predictions have not been confirmed by published functional studies and their clinical significance is uncertain. In summary, the available evidence is currently insufficient to determine the role of this variant in disease. Therefore, it has been classified as a Variant of Uncertain Significance.

NM_015474.4(SAMHD1):c.1483G>C (p.Ala495Pro)

Gene: SAMHD1 (SAM and HD domain containing deoxynucleoside triphosphate triphosphohydrolase 1; minus strand). Cytogenetic location: 20q11.23.
Variant type: single nucleotide variant.
Coding change: c.1483G>C on transcript NM_015474.4 (MANE Select); coding-DNA position 1483, G replaced by C.
Protein change: p.Ala495Pro; replaces alanine 495 with proline.
Molecular consequence: missense variant.
Genome position (GRCh38, 1-based): chr20:36,904,177, C>G on the plus strand (G>C on the coding strand, the complement: SAMHD1 is on the minus strand). VCF-style: chr20-36904177-C-G. GRCh37 (hg19) VCF-style: chr20-35532580-C-G.
Other names: c.1483G>C, p.Ala495Pro (NM_001363729.2, NM_001363733.2); short protein forms A495P.
Identifiers: ClinVar variation 949231 (VCV000949231.1), dbSNP rs2063392360, ClinGen allele CA408840983.